The following is an entry in ClinVar:

NM_001113378.2(FANCI):c.3382C>G (p.Gln1128Glu)

Gene: FANCI (FA complementation group I; plus strand). Cytogenetic location: 15q26.1.
Variant type: single nucleotide variant.
Coding change: c.3382C>G on transcript NM_001113378.2 (MANE Select); coding-DNA position 3382, C replaced by G.
Protein change: p.Gln1128Glu; replaces glutamine 1128 with glutamic acid.
Molecular consequence: missense variant.
Genome position (GRCh38, 1-based): chr15:89,306,039, C>G. VCF-style: chr15-89306039-C-G. GRCh37 (hg19) VCF-style: chr15-89849270-C-G.
Other names: c.3103C>G, p.Gln1035Glu (NM_001376910.1); c.3382C>G, p.Gln1128Glu (NM_001376911.1); c.3202C>G, p.Gln1068Glu (NM_018193.3); short protein forms Q1068E, Q1035E, Q1128E.
Identifiers: ClinVar variation 965111 (VCV000965111.5), dbSNP rs2054705069, ClinGen allele CA393740383.

ClinVar aggregate classification (germline): Uncertain significance (1 of 4 stars; one submission).

Conditions:
Fanconi anemia (FA). Also called: Fanconi's anemia. Identifiers: Orphanet 84, MedGen C0015625, MeSH D005199, MONDO:0019391.

Allele frequency attached by ClinVar (database versions not stated): gnomAD exomes below 0.00001.
gnomAD v4.1: 2 of 1,614,194 alleles (0.00012%); highest among the groups gnomAD compares: Admixed American, 0.0017%; no homozygotes.

Submission:

Labcorp Genetics (formerly Invitae), Labcorp
Classification: Uncertain significance for Fanconi anemia. Last evaluated: 2021-11-10. Review status: criteria provided, single submitter. Criteria: Invitae Variant Classification Sherloc (09022015). Collection method: clinical testing. Allele origin: germline.
Comment: This sequence change replaces glutamine, which is neutral and polar, with glutamic acid, which is acidic and polar, at codon 1128 of the FANCI protein (p.Gln1128Glu). This variant is not present in population databases (gnomAD no frequency). This variant has not been reported in the literature in individuals affected with FANCI-related conditions. ClinVar contains an entry for this variant (Variation ID: 965111). Algorithms developed to predict the effect of missense changes on protein structure and function (SIFT, PolyPhen-2, Align-GVGD) all suggest that this variant is likely to be tolerated. In summary, the available evidence is currently insufficient to determine the role of this variant in disease. Therefore, it has been classified as a Variant of Uncertain Significance.